The following is an entry in ClinVar:

NM_001079855.2(GYG2):c.1345C>T (p.Arg449Cys)

Gene: GYG2 (glycogenin 2; plus strand). Cytogenetic location: Xp22.33.
Variant type: single nucleotide variant.
Coding change: c.1345C>T on transcript NM_001079855.2 (MANE Select); coding-DNA position 1345, C replaced by T.
Protein change: p.Arg449Cys; replaces arginine 449 with cysteine.
Molecular consequence: missense variant.
Genome position (GRCh38, 1-based): chrX:2,881,145, C>T. VCF-style: chrX-2881145-C-T. GRCh37 (hg19) VCF-style: chrX-2799186-C-T.
Other names: c.1342C>T, p.Arg448Cys (NM_001184702.2); c.1225C>T, p.Arg409Cys (NM_001184703.2); c.667C>T, p.Arg223Cys (NM_001184704.2); c.1438C>T, p.Arg480Cys (NM_003918.3); short protein forms R223C, R409C, R480C, R448C, R449C.
Identifiers: ClinVar variation 2838951 (VCV002838951.3), dbSNP rs2519453904, ClinGen allele CA412267254.
Genomic context (GRCh38, chrX:2,881,145, plus strand): 5'-ATCGAAGAGAAGGTGAAGGAATTGAGCCCCGAGGAAGAGAGGAGGAAGTGGGAGGAAGGC[C>T]GTATCGACTACATGGGGAAGGACGCGTTTGCTCGCATCCAGGAGAAGCTGGACCGGTTCC-3'
Protein context (NP_001073324.1, residues 439-459): EEERRKWEEG[Arg449Cys]IDYMGKDAFA

ClinVar aggregate classification (germline): Uncertain significance (1 of 4 stars; one submission).

Submission:

Labcorp Genetics (formerly Invitae), Labcorp
Classification: Uncertain significance. Last evaluated: 2023-10-29. Review status: criteria provided, single submitter. Criteria: Invitae Variant Classification Sherloc (09022015). Collection method: clinical testing. Allele origin: germline.
Comment: This sequence change replaces arginine, which is basic and polar, with cysteine, which is neutral and slightly polar, at codon 480 of the GYG2 protein (p.Arg480Cys). This variant is not present in population databases (gnomAD no frequency). This variant has not been reported in the literature in individuals affected with GYG2-related conditions. An algorithm developed to predict the effect of missense changes on protein structure and function (PolyPhen-2) suggests that this variant is likely to be disruptive. In summary, the available evidence is currently insufficient to determine the role of this variant in disease. Therefore, it has been classified as a Variant of Uncertain Significance.